The following is an entry in ClinVar:

ClinVar aggregate classification (germline): Likely pathogenic/Likely pathogenic, low penetrance. Review status: criteria provided, multiple submitters, no conflicts (2 of 4 stars). 2 submissions from 2 submitters: Likely pathogenic (1); Likely pathogenic, low penetrance (1). Last evaluated 2025-09-26.

Conditions:
CFI-related disorder. Also called: CFI-related disorders; CFI-related condition. Identifiers: MedGen CN239325.

Submissions (2):

Genomenon, Inc
Classification: Likely pathogenic, low penetrance for CFI-related disorder. Last evaluated: 2025-09-26. Review status: criteria provided, single submitter. Criteria: Genomenon Sequence Variant Interpretation Standards - Updated. Collection method: curation. Allele origin: germline. Affected: no.
Comment: CFI p.Tyr38IlefsTer8 (c.111dup) is a frameshift variant that results in the production of a truncated protein which is predicted to undergo nonsense-mediated mRNA decay. This variant has been reported in the published literature (PMID:39062917). It is absent or not present at a significant frequency in gnomAD. In conclusion, we classify CFI p.Tyr38IlefsTer8 (c.111dup) as a likely pathogenic, low penetrance variant.

Mayo Clinic Laboratories, Mayo Clinic
Classification: Likely pathogenic. Last evaluated: 2022-11-28. Review status: criteria provided, single submitter. Criteria: ACMG Guidelines, 2015. Collection method: clinical testing. Allele origin: germline. Observed: 1 variant allele.
Comment: PM2_supporting, PVS1

Literature cited by the submitters: PubMed 39062917 (cited by Genomenon, Inc).

NM_000204.5(CFI):c.111dup (p.Tyr38fs)

Gene: CFI (complement factor I; minus strand). Cytogenetic location: 4q25.
Variant type: Duplication.
Coding change: c.111dup on transcript NM_000204.5 (MANE Select); coding-DNA position 111, one base duplicated (A; older notation c.111dupA).
Protein change: p.Tyr38fs; shifts the reading frame from tyrosine 38.
Molecular consequence: frameshift variant. On other transcripts: non-coding transcript variant (3), intron variant (1).
Genome position (GRCh38, 1-based): chr4:109,766,771, T duplicated on the plus strand (A on the coding strand, the reverse complement: CFI is on the minus strand); the first of 7 consecutive T bases (chr4:109,766,771-109,766,777); duplicating any one gives the same sequence. VCF-style (leftmost placement, unchanged base first): chr4-109766770-A-AT. GRCh37 (hg19) VCF-style: chr4-110687926-A-AT.
Other names: p.Tyr38Ilefs*8; c.111dup, p.Tyr38fs (NM_001318057.2, NM_001331035.2, NM_001375278.1 and 5 more transcripts); c.-127-5079dup (NM_001375284.1); short protein forms Y38fs.
Identifiers: ClinVar variation 2683648 (VCV002683648.2), dbSNP rs1560546604, ClinGen allele CA554050748.